The following is an entry in ClinVar:

NM_001159773.2(CANT1):c.433G>T (p.Val145Leu)

Gene: CANT1 (calcium activated nucleotidase 1; minus strand). Cytogenetic location: 17q25.3.
Variant type: single nucleotide variant.
Coding change: c.433G>T on transcript NM_001159773.2 (MANE Select); coding-DNA position 433, G replaced by T.
Protein change: p.Val145Leu; replaces valine 145 with leucine.
Molecular consequence: missense variant.
Genome position (GRCh38, 1-based): chr17:78,997,190, C>A on the plus strand (G>T on the coding strand, the complement: CANT1 is on the minus strand). VCF-style: chr17-78997190-C-A. GRCh37 (hg19) VCF-style: chr17-76993272-C-A.
Other names: c.433G>T, p.Val145Leu (NM_001159772.2, NM_138793.4); short protein forms V145L.
Identifiers: ClinVar variation 325703 (VCV000325703.34), dbSNP rs140112462, ClinGen allele CA8808732.

ClinVar aggregate classification (germline): Conflicting classifications of pathogenicity. Review status: criteria provided, conflicting classifications (1 of 4 stars). 6 submissions from 6 submitters: Uncertain significance (1); Benign (1); Likely benign (3). 1 of the submissions does not count toward it. Last evaluated 2026-02-04.

Conditions:
CANT1-related disorder. Also called: CANT1-related condition.
Desbuquois dysplasia 1 (DBQD1). Also called: DESBUQUOIS DYSPLASIA 1, KIM VARIANT; MICROMELIC DWARFISM WITH VERTEBRAL AND METAPHYSEAL ABNORMALITIES AND ADVANCED CARPOTARSAL OSSIFICATION. Identifiers: Orphanet 1425, MedGen C4012146, MONDO:0009629, OMIM 251450.

Allele frequency attached by ClinVar (database versions not stated): gnomAD 0.00029; TOPMed 0.00052; ESP Exome Variant Server 0.00077.
gnomAD v4.1: 789 of 1,614,080 alleles (0.049%); highest among the groups gnomAD compares: Middle Eastern, 0.3%; 4 homozygotes.

Submissions (6):

Labcorp Genetics (formerly Invitae), Labcorp
Classification: Benign. Last evaluated: 2026-02-04. Review status: criteria provided, single submitter. Criteria: Invitae Variant Classification Sherloc (09022015). Collection method: clinical testing. Allele origin: germline.

Blueprint Genetics
Classification: Likely benign. Last evaluated: 2024-10-21. Review status: criteria provided, single submitter. Criteria: ACMG Guidelines, 2015. Collection method: clinical testing. Allele origin: germline.

CeGaT Center for Human Genetics Tuebingen
Classification: Likely benign. Last evaluated: 2024-09-01. Review status: criteria provided, single submitter. Criteria: CeGaT Center For Human Genetics Tuebingen Variant Classification Criteria Version 2. Collection method: clinical testing. Allele origin: germline. Affected: yes. Observed: 1 variant allele.
Comment: CANT1: BS2

Illumina Laboratory Services, Illumina
Classification: Uncertain significance for Desbuquois dysplasia 1. Last evaluated: 2018-01-13. Review status: criteria provided, single submitter. Criteria: ICSL Variant Classification Criteria 13 December 2019. Collection method: clinical testing. Allele origin: germline.

Eurofins Ntd Llc (ga)
Classification: Likely benign. Last evaluated: 2017-09-26. Review status: criteria provided, single submitter. Criteria: EGL Classification Definitions 2015. Collection method: clinical testing. Allele origin: germline. Observed: 1 variant allele, 1 heterozygote.

PreventionGenetics, part of Exact Sciences
Classification: Likely benign for CANT1-related condition. Last evaluated: 2020-01-10. Review status: no assertion criteria provided. Collection method: clinical testing. Allele origin: germline. Not counted in ClinVar's aggregate classification.
Comment: This variant is classified as likely benign based on ACMG/AMP sequence variant interpretation guidelines (Richards et al. 2015 PMID: 25741868, with internal and published modifications).